The following is an entry in ClinVar:

ClinVar aggregate classification (germline): Likely benign. Review status: criteria provided, multiple submitters, no conflicts (2 of 4 stars). 3 submissions from 3 submitters: Likely benign (3). Last evaluated 2026-03-01.

Allele frequency attached by ClinVar (database versions not stated): gnomAD exomes 0.00003; ExAC 0.00006; ESP Exome Variant Server 0.00008; TOPMed 0.00019; gnomAD 0.00021; 1000 Genomes Project 30x 0.00047; 1000 Genomes Project 0.00060.

Submissions (3):

CeGaT Center for Human Genetics Tuebingen
Classification: Likely benign. Last evaluated: 2026-03-01. Review status: criteria provided, single submitter. Criteria: CeGaT Center For Human Genetics Tuebingen Variant Classification Criteria Version 2. Collection method: clinical testing. Allele origin: germline. Affected: yes. Observed: 1 variant allele.
Comment: GPAA1: BP4, BP7

Labcorp Genetics (formerly Invitae), Labcorp
Classification: Likely benign. Last evaluated: 2025-04-10. Review status: criteria provided, single submitter. Criteria: Invitae Variant Classification Sherloc (09022015). Collection method: clinical testing. Allele origin: germline.

Blueprint Genetics
Classification: Likely benign. Last evaluated: 2024-06-04. Review status: criteria provided, single submitter. Criteria: ACMG Guidelines, 2015. Collection method: clinical testing. Allele origin: germline.

NM_003801.4(GPAA1):c.372G>A (p.Val124=)

Gene: GPAA1 (glycosylphosphatidylinositol anchor attachment 1; plus strand). Cytogenetic location: 8q24.3.
Variant type: single nucleotide variant.
Coding change: c.372G>A on transcript NM_003801.4 (MANE Select); coding-DNA position 372, G replaced by A.
Protein change: p.Val124=; no amino-acid change (valine 124 retained).
Molecular consequence: synonymous variant.
Genome position (GRCh38, 1-based): chr8:144,083,719, G>A. VCF-style: chr8-144083719-G-A. GRCh37 (hg19) VCF-style: chr8-145138622-G-A.
Identifiers: ClinVar variation 1915588 (VCV001915588.10), dbSNP rs139167765, ClinGen allele CA4932805.
Genomic context (GRCh38, chr8:144,083,719, plus strand): 5'-TCAGCCCCCTACCACAAAGTTACACTGAGGCTCCCCCCACCGATGCTGCATACAGATGGT[G>A]TCGGGCACCAACGTGTACGGCATCCTGCGGGCCCCGCGTGCTGCCAGCACCGAGTCGCTT-3'
Protein context (NP_003792.1, residues 114-134): FPDETHERYM[Val124=]SGTNVYGILR